The following is an entry in ClinVar:

ClinVar aggregate classification (germline): Uncertain significance (0 of 4 stars; one submission).

Allele frequency attached by ClinVar (database versions not stated): gnomAD exomes below 0.00001.
gnomAD v4.1: 1 of 1,613,934 alleles (0.000062%); highest among the groups gnomAD compares: Non-Finnish European, 0.000085%; no homozygotes.

Submission:

Department of Pathology and Laboratory Medicine, Sinai Health System
Classification: Uncertain significance. Review status: no assertion criteria provided. Collection method: clinical testing. Allele origin: unknown. Affected: yes. Study: The Canadian Open Genetics Repository (COGR).
Comment: The ACAN p.Pro1918Leu variant was not identified in the literature nor was it identified in dbSNP, ClinVar or in the following control databases: the 1000 Genomes Project, the NHLBI GO Exome Sequencing Project, or the Genome Aggregation Database (March 6, 2019, v2.1.1). Although the p.Pro1918 residue is not conserved in mammals and other organisms, computational analyses (PolyPhen-2, SIFT, AlignGVGD, BLOSUM, MutationTaster) suggest that the variant may impact the protein. The variant occurs outside of the splicing consensus sequence and in silico or computational prediction software programs (SpliceSiteFinder, MaxEntScan, NNSPLICE, GeneSplicer) do not predict a difference in splicing. In summary, based on the above information the clinical significance of this variant cannot be determined with certainty at this time. This variant is classified as a variant of uncertain significance.

NM_001369268.1(ACAN):c.5753C>T (p.Pro1918Leu)

Gene: ACAN (aggrecan; plus strand). Cytogenetic location: 15q26.1.
Variant type: single nucleotide variant.
Coding change: c.5753C>T on transcript NM_001369268.1 (MANE Select); coding-DNA position 5753, C replaced by T.
Protein change: p.Pro1918Leu; replaces proline 1918 with leucine.
Molecular consequence: missense variant.
Genome position (GRCh38, 1-based): chr15:88,858,338, C>T. VCF-style: chr15-88858338-C-T. GRCh37 (hg19) VCF-style: chr15-89401569-C-T.
Other names: c.5753C>T, p.Pro1918Leu (NM_001135.4, NM_013227.4); short protein forms P1918L.
Identifiers: ClinVar variation 1049711 (VCV001049711.1), dbSNP rs2141610695, ClinGen allele CA393725499.